The following is an entry in ClinVar:

NM_002478.5(MYOD1):c.710-4G>C

Gene: MYOD1 (myogenic differentiation 1; plus strand). Cytogenetic location: 11p15.1.
Variant type: single nucleotide variant.
Coding change: c.710-4G>C on transcript NM_002478.5 (MANE Select); 4 bases into the intron before coding-DNA position 710, G replaced by C.
Molecular consequence: intron variant.
Genome position (GRCh38, 1-based): chr11:17,721,251, G>C. VCF-style: chr11-17721251-G-C. GRCh37 (hg19) VCF-style: chr11-17742798-G-C.
Identifiers: ClinVar variation 730409 (VCV000730409.6), dbSNP rs201759677, ClinGen allele CA5906558.

ClinVar aggregate classification (germline): Benign. Review status: criteria provided, multiple submitters, no conflicts (2 of 4 stars). 3 submissions from 3 submitters: Benign (2). 1 of the submissions does not count toward it. Last evaluated 2018-11-09.

Conditions:
MYOD1-related disorder. Also called: MYOD1-related condition.

Allele frequency attached by ClinVar (database versions not stated): 1000 Genomes Project 30x 0.00031; 1000 Genomes Project 0.00040; ESP Exome Variant Server 0.00054; gnomAD 0.00101 and 0.00109; TOPMed 0.00111.
gnomAD v4.1: 297 of 1,537,476 alleles (0.019%); highest among the groups gnomAD compares: African/African-American, 0.37%; no homozygotes.

Submissions (3):

Labcorp Genetics (formerly Invitae), Labcorp
Classification: Benign. Last evaluated: 2018-11-09. Review status: criteria provided, single submitter. Criteria: Invitae Variant Classification Sherloc (09022015). Collection method: clinical testing. Allele origin: germline.

Breakthrough Genomics
Classification: Benign. Review status: criteria provided, single submitter. Criteria: ACMG Guidelines, 2015. Collection method: not provided. Allele origin: germline. Inheritance: Autosomal recessive inheritance. Affected: yes.

PreventionGenetics, part of Exact Sciences
Classification: Likely benign for MYOD1-related condition. Last evaluated: 2019-09-24. Review status: no assertion criteria provided. Collection method: clinical testing. Allele origin: germline. Not counted in ClinVar's aggregate classification.
Comment: This variant is classified as likely benign based on ACMG/AMP sequence variant interpretation guidelines (Richards et al. 2015 PMID: 25741868, with internal and published modifications).